The following is an entry in ClinVar:

ClinVar aggregate classification (germline): Uncertain significance (1 of 4 stars; one submission).

Conditions:
Familial adenomatous polyposis 1 (FAP1). Also called: FAMILIAL ADENOMATOUS POLYPOSIS 1, ATTENUATED; POLYPOSIS, ADENOMATOUS INTESTINAL. Identifiers: MedGen C2713442, MONDO:0021056, OMIM 175100. Disease mechanism: loss of function.

Submission:

Labcorp Genetics (formerly Invitae), Labcorp
Classification: Uncertain significance for Familial adenomatous polyposis 1. Last evaluated: 2021-08-23. Review status: criteria provided, single submitter. Criteria: Invitae Variant Classification Sherloc (09022015). Collection method: clinical testing. Allele origin: germline.
Comment: This sequence change replaces methionine with threonine at codon 91 of the APC protein (p.Met91Thr). The methionine residue is highly conserved and there is a moderate physicochemical difference between methionine and threonine. This variant is not present in population databases (ExAC no frequency). This variant has not been reported in the literature in individuals affected with APC-related conditions. Algorithms developed to predict the effect of missense changes on protein structure and function (SIFT, PolyPhen-2, Align-GVGD) all suggest that this variant is likely to be tolerated. In summary, the available evidence is currently insufficient to determine the role of this variant in disease. Therefore, it has been classified as a Variant of Uncertain Significance.

NM_000038.6(APC):c.272T>C (p.Met91Thr)

Gene: APC (APC regulator of Wnt signaling pathway; plus strand). Cytogenetic location: 5q22.2.
Variant type: single nucleotide variant.
Coding change: c.272T>C on transcript NM_000038.6 (MANE Select); coding-DNA position 272, T replaced by C.
Protein change: p.Met91Thr; replaces methionine 91 with threonine.
Molecular consequence: missense variant. On other transcripts: 5 prime UTR variant (1).
Genome position (GRCh38, 1-based): chr5:112,767,240, T>C. VCF-style: chr5-112767240-T-C. GRCh37 (hg19) VCF-style: chr5-112102937-T-C.
Other names: c.272T>C, p.Met91Thr (NM_001127510.3, NM_001354895.2, NM_001354896.2 and 2 more transcripts); c.302T>C, p.Met101Thr (NM_001127511.3, NM_001354897.2, NM_001354902.2); c.197T>C, p.Met66Thr (NM_001354898.2, NM_001354904.2); c.95T>C, p.Met32Thr (NM_001354900.2, NM_001354901.2, NM_001354905.2); c.-764T>C (NM_001354906.2); short protein forms M101T, M66T, M32T, M91T.
Identifiers: ClinVar variation 1377131 (VCV001377131.6), dbSNP rs2149788037, ClinGen allele CA16021933.